The following is an entry in ClinVar:

NM_000350.3(ABCA4):c.5663T>A (p.Val1888Glu)

Gene: ABCA4 (ATP binding cassette subfamily A member 4; minus strand). Cytogenetic location: 1p22.1.
Variant type: single nucleotide variant.
Coding change: c.5663T>A on transcript NM_000350.3 (MANE Select); coding-DNA position 5663, T replaced by A.
Protein change: p.Val1888Glu; replaces valine 1888 with glutamic acid.
Molecular consequence: missense variant.
Genome position (GRCh38, 1-based): chr1:94,010,851, A>T on the plus strand (T>A on the coding strand, the complement: ABCA4 is on the minus strand). VCF-style: chr1-94010851-A-T. GRCh37 (hg19) VCF-style: chr1-94476407-A-T.
Other names: c.5441T>A, p.Val1814Glu (NM_001425324.1); short protein forms V1814E, V1888E.
Identifiers: ClinVar variation 4745896 (VCV004745896.1).

ClinVar aggregate classification (germline): Uncertain significance (1 of 4 stars; one submission).

Submission:

Labcorp Genetics (formerly Invitae), Labcorp
Classification: Uncertain significance. Last evaluated: 2025-10-21. Review status: criteria provided, single submitter. Criteria: Invitae Variant Classification Sherloc (09022015). Collection method: clinical testing. Allele origin: germline.
Comment: This sequence change replaces valine, which is neutral and non-polar, with glutamic acid, which is acidic and polar, at codon 1888 of the ABCA4 protein (p.Val1888Glu). This variant is not present in population databases (gnomAD no frequency). This variant has not been reported in the literature in individuals affected with ABCA4-related conditions. Invitae Evidence Modeling of protein sequence and biophysical properties (such as structural, functional, and spatial information, amino acid conservation, physicochemical variation, residue mobility, and thermodynamic stability) indicates that this missense variant is expected to disrupt ABCA4 protein function with a positive predictive value of 95%. In summary, the available evidence is currently insufficient to determine the role of this variant in disease. Therefore, it has been classified as a Variant of Uncertain Significance.